The following is an entry in ClinVar:

NM_012463.4(ATP6V0A2):c.*785T>C

Gene: ATP6V0A2 (ATPase H+ transporting V0 subunit a2; plus strand). Cytogenetic location: 12q24.31.
Variant type: single nucleotide variant.
Coding change: c.*785T>C on transcript NM_012463.4 (MANE Select); 785 bases downstream of the stop codon, T replaced by C.
Molecular consequence: 3 prime UTR variant.
Genome position (GRCh38, 1-based): chr12:123,758,817, T>C. VCF-style: chr12-123758817-T-C. GRCh37 (hg19) VCF-style: chr12-124243364-T-C.
Identifiers: ClinVar variation 307608 (VCV000307608.5), dbSNP rs146660715, ClinGen allele CA10636746.

ClinVar aggregate classification (germline): Likely benign (1 of 4 stars; one submission).

Conditions:
Cutis laxa with osteodystrophy (ARCL2A). Also called: Debré-Type Cutis Laxa; CUTIS LAXA WITH CONGENITAL DISORDER OF GLYCOSYLATION; CUTIS LAXA, AUTOSOMAL RECESSIVE, TYPE IIA; CUTIS LAXA WITH BONE DYSTROPHY; CUTIS LAXA WITH GROWTH AND DEVELOPMENTAL DELAY; CUTIS LAXA WITH JOINT LAXITY AND RETARDED DEVELOPMENT. Identifiers: Orphanet 357058, MedGen C0268355, MONDO:0018163, OMIM 219200. Disease mechanism: loss of function.

Allele frequency attached by ClinVar (database versions not stated): TOPMed 0.00297; gnomAD 0.00242 and 0.00262; 1000 Genomes Project 0.00260; 1000 Genomes Project 30x 0.00265.

Submission:

Illumina Laboratory Services, Illumina
Classification: Likely benign for Cutis laxa with osteodystrophy. Last evaluated: 2018-01-12. Review status: criteria provided, single submitter. Criteria: ICSL Variant Classification Criteria 13 December 2019. Collection method: clinical testing. Allele origin: germline.
Comment: This variant was observed in the ICSL laboratory as part of a predisposition screen in an ostensibly healthy population. It had not been previously curated by ICSL or reported in the Human Gene Mutation Database (HGMD: prior to June 1st, 2018), and was therefore a candidate for classification through an automated scoring system. Utilizing variant allele frequency, disease prevalence and penetrance estimates, and inheritance mode, an automated score was calculated to assess if this variant is too frequent to cause the disease. Based on the score and internal cut-off values, a variant classified as likely benign is not then subjected to further curation. The score for this variant resulted in a classification of likely benign for this disease.